The following is an entry in ClinVar:

ClinVar aggregate classification (germline): Uncertain significance (1 of 4 stars; one submission).

Conditions:
Hypoplastic enamel-onycholysis-hypohidrosis syndrome (TNS). Also called: NAIL DYSPLASIA WITH HYPODONTIA; Tooth-and-Nail Syndrome; WITKOP SYNDROME; ECTODERMAL DYSPLASIA 3, TOOTH/NAIL TYPE; ECTODERMAL DYSPLASIA 3, WITKOP TYPE. Identifiers: Orphanet 2228, MedGen C0406735, MONDO:0008582, OMIM 189500.

Submission:

Labcorp Genetics (formerly Invitae), Labcorp
Classification: Uncertain significance for Hypoplastic enamel-onycholysis-hypohidrosis syndrome. Last evaluated: 2023-11-24. Review status: criteria provided, single submitter. Criteria: Invitae Variant Classification Sherloc (09022015). Collection method: clinical testing. Allele origin: germline.
Comment: This sequence change falls in intron 1 of the MSX1 gene. It does not directly change the encoded amino acid sequence of the MSX1 protein. This variant is not present in population databases (gnomAD no frequency). This variant has been observed in individual(s) with tooth agenesis (PMID: 26030286). It has also been observed to segregate with disease in related individuals. This variant is also known as c.452-9G>A. Algorithms developed to predict the effect of variants on protein structure and function are not available or were not evaluated for this variant. Experimental studies have shown that this variant affects MSX1 function (PMID: 26030286). Studies have shown that this variant alters mRNA splicing and is expected to lead to the loss of protein expression (PMID: 26030286). In summary, the available evidence is currently insufficient to determine the role of this variant in disease. Therefore, it has been classified as a Variant of Uncertain Significance.

Literature cited by the submitters: PubMed 26030286.

NM_002448.3(MSX1):c.470-9G>A

Gene: MSX1 (msh homeobox 1; plus strand). Cytogenetic location: 4p16.2.
Variant type: single nucleotide variant.
Coding change: c.470-9G>A on transcript NM_002448.3 (MANE Select); 9 bases into the intron before coding-DNA position 470, G replaced by A.
Molecular consequence: intron variant.
Genome position (GRCh38, 1-based): chr4:4,862,692, G>A. VCF-style: chr4-4862692-G-A. GRCh37 (hg19) VCF-style: chr4-4864419-G-A.
Identifiers: ClinVar variation 2734641 (VCV002734641.3), dbSNP rs1369129367, ClinGen allele CA2586973671.